The following is an entry in ClinVar:

ClinVar aggregate classification (germline): Uncertain significance (1 of 4 stars; one submission).

Conditions:
Niemann-Pick disease, type C1. Also called: NIEMANN-PICK DISEASE, VARIANT TYPE C1; NEUROVISCERAL STORAGE DISEASE WITH VERTICAL SUPRANUCLEAR OPHTHALMOPLEGIA; NIEMANN-PICK DISEASE WITH CHOLESTEROL ESTERIFICATION BLOCK; NIEMANN-PICK DISEASE WITHOUT SPHINGOMYELINASE DEFICIENCY; NIEMANN-PICK DISEASE, CHRONIC NEURONOPATHIC FORM. Identifiers: Orphanet 646, MedGen C3179455, MONDO:0009757, OMIM 257220.

Allele frequency attached by ClinVar (database versions not stated): gnomAD exomes below 0.00001; TOPMed below 0.00001.
gnomAD v4.1: 1 of 1,614,096 alleles (0.000062%); highest among the groups gnomAD compares: East Asian, 0.0022%; no homozygotes.

Submission:

Labcorp Genetics (formerly Invitae), Labcorp
Classification: Uncertain significance for Niemann-Pick disease, type C1. Last evaluated: 2022-04-22. Review status: criteria provided, single submitter. Criteria: Invitae Variant Classification Sherloc (09022015). Collection method: clinical testing. Allele origin: germline.
Comment: This variant has not been reported in the literature in individuals affected with NPC1-related conditions. In summary, the available evidence is currently insufficient to determine the role of this variant in disease. Therefore, it has been classified as a Variant of Uncertain Significance. Advanced modeling of protein sequence and biophysical properties (such as structural, functional, and spatial information, amino acid conservation, physicochemical variation, residue mobility, and thermodynamic stability) performed at Invitae indicates that this missense variant is not expected to disrupt NPC1 protein function. This variant is not present in population databases (gnomAD no frequency). This sequence change replaces proline, which is neutral and non-polar, with leucine, which is neutral and non-polar, at codon 207 of the NPC1 protein (p.Pro207Leu).

NM_000271.5(NPC1):c.620C>T (p.Pro207Leu)

Gene: NPC1 (NPC intracellular cholesterol transporter 1; minus strand). Cytogenetic location: 18q11.2.
Variant type: single nucleotide variant.
Coding change: c.620C>T on transcript NM_000271.5 (MANE Select); coding-DNA position 620, C replaced by T.
Protein change: p.Pro207Leu; replaces proline 207 with leucine.
Molecular consequence: missense variant.
Genome position (GRCh38, 1-based): chr18:23,561,371, G>A on the plus strand (C>T on the coding strand, the complement: NPC1 is on the minus strand). VCF-style: chr18-23561371-G-A. GRCh37 (hg19) VCF-style: chr18-21141335-G-A.
Other names: short protein forms P207L.
Identifiers: ClinVar variation 2110316 (VCV002110316.4), dbSNP rs2059035616, ClinGen allele CA401782074.
Genomic context (GRCh38, chr18:23,561,371, plus strand): 5'-CTTTAAAACAATATCATAAACACACCAAACTTGGAATCTTTATACCTACCTGAAAACACA[G>A]GAGTGATGGTAAAAGGTGCCTGTCCATTGTCCTTATTGAACATGTATTCAATCCAGTTGG-3'
Protein context (NP_000262.2, residues 197-217): DNGQAPFTIT[Pro207Leu]VFSDFPVHGM